The following is an entry in ClinVar:

NM_004946.3(DOCK2):c.4201G>T (p.Ala1401Ser)

Gene: DOCK2 (dedicator of cytokinesis 2; plus strand). Cytogenetic location: 5q35.1.
Variant type: single nucleotide variant.
Coding change: c.4201G>T on transcript NM_004946.3 (MANE Select); coding-DNA position 4201, G replaced by T.
Protein change: p.Ala1401Ser; replaces alanine 1401 with serine.
Molecular consequence: missense variant. On other transcripts: non-coding transcript variant (1).
Genome position (GRCh38, 1-based): chr5:170,050,385, G>T. VCF-style: chr5-170050385-G-T. GRCh37 (hg19) VCF-style: chr5-169477389-G-T.
Other names: short protein forms A1401S.
Identifiers: ClinVar variation 779630 (VCV000779630.15), dbSNP rs143100569, ClinGen allele CA3554455.

ClinVar aggregate classification (germline): Conflicting classifications of pathogenicity. Review status: criteria provided, conflicting classifications (1 of 4 stars). 6 submissions from 6 submitters: Uncertain significance (2); Likely benign (2). 2 of the submissions do not count toward it. Last evaluated 2025-12-01.

Conditions:
Inborn genetic diseases. Identifiers: MedGen C0950123, MeSH D030342.
DOCK2-related disorder. Also called: DOCK2-related condition.
DOCK2 deficiency. Also called: Immunodeficiency 40. Identifiers: Orphanet 447737, MedGen C4225328, MONDO:0014637, OMIM 616433.

Allele frequency attached by ClinVar (database versions not stated): gnomAD exomes 0.00023 and 0.00039; ExAC 0.00041; ESP Exome Variant Server 0.00115; 1000 Genomes Project 0.00140; gnomAD 0.00148 and 0.00161; 1000 Genomes Project 30x 0.00172; TOPMed 0.00175.
gnomAD v4.1: 588 of 1,614,002 alleles (0.036%); highest among the groups gnomAD compares: African/African-American, 0.47%; 3 homozygotes.

Submissions (6):

Labcorp Genetics (formerly Invitae), Labcorp
Classification: Likely benign for DOCK2 deficiency. Last evaluated: 2025-12-01. Review status: criteria provided, single submitter. Criteria: Invitae Variant Classification Sherloc (09022015). Collection method: clinical testing. Allele origin: germline.

Ambry Genetics
Classification: Uncertain significance for Inborn genetic diseases. Last evaluated: 2025-08-23. Review status: criteria provided, single submitter. Criteria: Ambry Variant Classification Scheme 2023. Collection method: clinical testing. Allele origin: germline.

Blueprint Genetics
Classification: Likely benign. Last evaluated: 2024-10-29. Review status: criteria provided, single submitter. Criteria: ACMG Guidelines, 2015. Collection method: clinical testing. Allele origin: germline.

PreventionGenetics, part of Exact Sciences
Classification: Uncertain significance for DOCK2-related condition. Last evaluated: 2023-06-16. Review status: criteria provided, single submitter. Criteria: ACMG Guidelines, 2015. Collection method: clinical testing. Allele origin: germline.
Comment: The DOCK2 c.4201G>T variant is predicted to result in the amino acid substitution p.Ala1401Ser. To our knowledge, this variant has not been reported in the literature. This variant is reported in 0.37% of alleles in individuals of African descent in gnomAD. Although we suspect that this variant may be benign, at this time, the clinical significance of this variant is uncertain due to the absence of conclusive functional and genetic evidence.

Clinical Genetics DNA and cytogenetics Diagnostics Lab, Erasmus MC, Erasmus Medical Center
Classification: Likely benign. Review status: no assertion criteria provided. Collection method: clinical testing. Allele origin: germline. Affected: yes. Study: VKGL Data-share Consensus. Not counted in ClinVar's aggregate classification.

Genome Diagnostics Laboratory, University Medical Center Utrecht
Classification: Likely benign. Review status: no assertion criteria provided. Collection method: clinical testing. Allele origin: germline. Affected: yes. Study: VKGL Data-share Consensus. Not counted in ClinVar's aggregate classification.